The following is an entry in ClinVar:

ClinVar aggregate classification (germline): Uncertain significance. Review status: criteria provided, multiple submitters, no conflicts (2 of 4 stars). 3 submissions from 3 submitters: Uncertain significance (3). Last evaluated 2023-05-09.

Conditions:
Hereditary breast ovarian cancer syndrome. Also called: Hereditary breast and ovarian cancer syndrome; Hereditary breast and ovarian cancer; Hereditary breast and ovarian cancer syndrome (HBOC); Breast and ovarian cancer; Hereditary breast and/or ovarian cancer syndrome; BRCA1- and BRCA2-Associated Hereditary Breast and Ovarian Cancer. Identifiers: Orphanet 145, MedGen C0677776, MeSH D061325, MONDO:0003582. Disease mechanism: loss of function.
Hereditary cancer-predisposing syndrome. Also called: Neoplastic Syndromes, Hereditary; Tumor predisposition; Hereditary neoplastic syndrome; Hereditary Cancer Syndrome. Identifiers: Orphanet 140162, MedGen C0027672, MeSH D009386, MONDO:0015356.

Submissions (3):

GeneDx
Classification: Uncertain significance. Last evaluated: 2023-05-09. Review status: criteria provided, single submitter. Criteria: GeneDx Variant Classification Process June 2021. Collection method: clinical testing. Allele origin: germline. Affected: yes.
Comment: In-frame deletion of 1 amino acid in a non-repeat region; Not observed at significant frequency in large population cohorts (gnomAD); Has not been previously published as pathogenic or benign to our knowledge; In silico analysis is inconclusive as to whether the variant impacts protein function; Also known as 8189_8191del; This variant is associated with the following publications: (PMID: 12228710)

Labcorp Genetics (formerly Invitae), Labcorp
Classification: Uncertain significance for Hereditary breast ovarian cancer syndrome. Last evaluated: 2020-11-15. Review status: criteria provided, single submitter. Criteria: Invitae Variant Classification Sherloc (09022015). Collection method: clinical testing. Allele origin: germline.
Comment: This variant, c.7961_7963del, results in the deletion of 1 amino acid(s) of the BRCA2 protein (p.Leu2654del), but otherwise preserves the integrity of the reading frame. This variant is not present in population databases (ExAC no frequency). This variant has not been reported in the literature in individuals with BRCA2-related conditions. Experimental studies and prediction algorithms are not available or were not evaluated, and the functional significance of this variant is currently unknown. In summary, the available evidence is currently insufficient to determine the role of this variant in disease. Therefore, it has been classified as a Variant of Uncertain Significance.

Ambry Genetics
Classification: Uncertain significance for Hereditary cancer-predisposing syndrome. Last evaluated: 2018-11-30. Review status: criteria provided, single submitter. Criteria: Ambry Variant Classification Scheme 2023. Collection method: clinical testing. Allele origin: germline.
Comment: The c.7961_7963delTTC variant (also known as p.L2654del) is located in coding exon 16 of the BRCA2 gene. This variant results from an in-frame TTC deletion at nucleotide positions 7961 to 7963. This results in the in-frame deletion of a leucine at codon 2654. This amino acid position is highly conserved in available vertebrate species. Since supporting evidence is limited at this time, the clinical significance of this alteration remains unclear.

NM_000059.4(BRCA2):c.7958TTC[1] (p.Leu2654del)

Gene: BRCA2 (BRCA2 DNA repair associated; plus strand). Cytogenetic location: 13q13.1.
Variant type: Microsatellite.
Coding change: c.7958TTC[1] on transcript NM_000059.4 (MANE Select); one copy of the 3-base unit TTC starting at c.7958; the reference has two copies in a row; one copy, 3 bases deleted; also written c.7961_7963del.
Protein change: p.Leu2654del; deletes leucine 2654.
Molecular consequence: inframe deletion.
Genome position (GRCh38, 1-based): chr13:32,362,678-32,362,680, TTC deleted; deleting any 3 consecutive bases within chr13:32,362,674-32,362,680 gives the same sequence; the position shown is the placement nearest the transcript's 3' end. VCF-style (leftmost placement, unchanged base first): chr13-32362673-GCTT-G. GRCh37 (hg19) VCF-style: chr13-32936810-GCTT-G.
Other names: c.7961_7963delTTC (NM_000059.3); c.7961_7963del (NM_000059.3); short protein forms L2654del.
Identifiers: ClinVar variation 827362 (VCV000827362.16), dbSNP rs1593924305, ClinGen allele CA915946883.
Genomic context (GRCh38, chr13:32,362,673, plus strand): 5'-AGCTATGGAATGTGCCTTTCCTAAGGAATTTGCTAATAGATGCCTAAGCCCAGAAAGGGT[GCTT>G]CTTCAACTAAAATACAGGCAAGTTTAAAGCATTACATTACGTAATCATATACGGCAGTAT-3'